The following is an entry in ClinVar:

NM_001211.6(BUB1B):c.913G>A (p.Glu305Lys)

Gene: BUB1B (BUB1 mitotic checkpoint serine/threonine kinase B; plus strand). Cytogenetic location: 15q15.1.
Variant type: single nucleotide variant.
Coding change: c.913G>A on transcript NM_001211.6 (MANE Select); coding-DNA position 913, G replaced by A.
Protein change: p.Glu305Lys; replaces glutamic acid 305 with lysine.
Molecular consequence: missense variant.
Genome position (GRCh38, 1-based): chr15:40,185,326, G>A. VCF-style: chr15-40185326-G-A. GRCh37 (hg19) VCF-style: chr15-40477527-G-A.
Other names: short protein forms E305K.
Identifiers: ClinVar variation 3221452 (VCV003221452.2), dbSNP rs2542535691, ClinGen allele CA391684632.

ClinVar aggregate classification (germline): Uncertain significance (1 of 4 stars; one submission).

Conditions:
Inborn genetic diseases. Identifiers: MedGen C0950123, MeSH D030342.

Submission:

Ambry Genetics
Classification: Uncertain significance for Inborn genetic diseases. Last evaluated: 2025-10-09. Review status: criteria provided, single submitter. Criteria: Ambry Variant Classification Scheme 2023. Collection method: clinical testing. Allele origin: germline.
Comment: The p.E305K variant (also known as c.913G>A), located in coding exon 7 of the BUB1B gene, results from a G to A substitution at nucleotide position 913. The glutamic acid at codon 305 is replaced by lysine, an amino acid with similar properties. This amino acid position is conserved. In addition, the in silico prediction for this alteration is inconclusive. Since supporting evidence is limited at this time, the clinical significance of this alteration remains unclear.